The following is an entry in ClinVar:

ClinVar aggregate classification (germline): Benign/Likely benign. Review status: criteria provided, multiple submitters, no conflicts (2 of 4 stars). 8 submissions from 8 submitters: Benign (3); Likely benign (4). 1 of the submissions does not count toward it. Last evaluated 2026-05-13.

Conditions:
GH1-related disorder. Also called: GH1-related condition.
Autosomal dominant isolated somatotropin deficiency (IGHD2). Also called: Idiopathic Growth Hormone Deficiency Type II; IGHD II. Identifiers: Orphanet 231679, Orphanet 631, MedGen C0271567, MONDO:0008250, OMIM 173100.
Decreased response to growth hormone stimulation test. Also called: Growth hormone deficiency. Identifiers: MedGen C5539399, HP:0000824.

Allele frequency attached by ClinVar (database versions not stated): gnomAD exomes 0.00114; ExAC 0.00120; gnomAD 0.00395 and 0.00414; TOPMed 0.00418; ESP Exome Variant Server 0.00507; 1000 Genomes Project 0.00519; 1000 Genomes Project 30x 0.00625.

Submissions (8):

Women's Health and Genetics/Laboratory Corporation of America, LabCorp
Classification: Likely benign. Last evaluated: 2026-05-13. Review status: criteria provided, single submitter. Criteria: LabCorp Variant Classification Summary - May 2015. Collection method: clinical testing. Allele origin: germline.

Labcorp Genetics (formerly Invitae), Labcorp
Classification: Benign. Last evaluated: 2025-07-30. Review status: criteria provided, single submitter. Criteria: Invitae Variant Classification Sherloc (09022015). Collection method: clinical testing. Allele origin: germline.

Blueprint Genetics
Classification: Likely benign. Last evaluated: 2024-10-14. Review status: criteria provided, single submitter. Criteria: ACMG Guidelines, 2015. Collection method: clinical testing. Allele origin: germline.

Mendelics
Classification: Benign for Autosomal dominant isolated somatotropin deficiency. Last evaluated: 2019-05-28. Review status: criteria provided, single submitter. Criteria: Mendelics Assertion Criteria 2017. Collection method: clinical testing. Allele origin: unknown.

Illumina Laboratory Services, Illumina
Classification: Likely benign for Growth hormone deficiency. Last evaluated: 2017-04-27. Review status: criteria provided, single submitter. Criteria: ICSL Variant Classification Criteria 13 December 2019. Collection method: clinical testing. Allele origin: germline.
Comment: This variant was observed as part of a predisposition screen in an ostensibly healthy population. A literature search was performed for the gene, cDNA change, and amino acid change (where applicable). Publications were found based on this search. The evidence from the literature, in combination with allele frequency data from public databases where available, was sufficient to determine this variant is unlikely to cause disease. Therefore, this variant is classified as likely benign.

Eurofins Ntd Llc (ga)
Classification: Benign. Last evaluated: 2014-10-31. Review status: criteria provided, single submitter. Criteria: EGL Classification Definitions 2015. Collection method: clinical testing. Allele origin: germline. Observed: 1 variant allele, 1 heterozygote.

Breakthrough Genomics
Classification: Likely benign. Review status: criteria provided, single submitter. Criteria: ACMG Guidelines, 2015. Collection method: not provided. Allele origin: germline. Inheritance: Autosomal recessive inheritance. Affected: yes.

PreventionGenetics, part of Exact Sciences
Classification: Likely benign for GH1-related condition. Last evaluated: 2019-11-08. Review status: no assertion criteria provided. Collection method: clinical testing. Allele origin: germline. Not counted in ClinVar's aggregate classification.
Comment: This variant is classified as likely benign based on ACMG/AMP sequence variant interpretation guidelines (Richards et al. 2015 PMID: 25741868, with internal and published modifications).

Literature cited by the submitters: PubMed 18473352 (cited by Illumina Laboratory Services, Illumina).

NM_000515.5(GH1):c.152T>A (p.Phe51Tyr)

Genes: GH1 (growth hormone 1; minus strand), GH-LCR (growth hormone locus control region; plus strand). Cytogenetic location: 17q23.3.
Variant type: single nucleotide variant.
Coding change: c.152T>A on transcript NM_000515.5 (MANE Select); coding-DNA position 152, T replaced by A.
Protein change: p.Phe51Tyr; replaces phenylalanine 51 with tyrosine.
Molecular consequence: missense variant.
Genome position (GRCh38, 1-based): chr17:63,918,365, A>T on the plus strand (T>A on the coding strand, the complement: GH1 is on the minus strand). VCF-style: chr17-63918365-A-T. GRCh37 (hg19) VCF-style: chr17-61995725-A-T.
Other names: c.152T>A, p.Phe51Tyr (NM_022560.4, NM_022559.4); short protein forms F51Y.
Identifiers: ClinVar variation 195080 (VCV000195080.25), dbSNP rs61735357, ClinGen allele CA201550.